The following is an entry in ClinVar:

NM_001365951.3(KIF1B):c.4799T>G (p.Val1600Gly)

Gene: KIF1B (kinesin family member 1B; plus strand). Cytogenetic location: 1p36.22.
Variant type: single nucleotide variant.
Coding change: c.4799T>G on transcript NM_001365951.3 (MANE Select); coding-DNA position 4799, T replaced by G.
Protein change: p.Val1600Gly; replaces valine 1600 with glycine.
Molecular consequence: missense variant.
Genome position (GRCh38, 1-based): chr1:10,368,513, T>G. VCF-style: chr1-10368513-T-G. GRCh37 (hg19) VCF-style: chr1-10428571-T-G.
Other names: c.4799T>G, p.Val1600Gly (NM_001365952.1); c.4661T>G, p.Val1554Gly (NM_015074.3); short protein forms V1600G, V1554G.
Identifiers: ClinVar variation 3692919 (VCV003692919.2).

ClinVar aggregate classification (germline): Uncertain significance (1 of 4 stars; one submission).

Conditions:
Charcot-Marie-Tooth disease type 2. Also called: Charcot-Marie-Tooth type 2. Identifiers: Orphanet 64746, MedGen C0270914, MONDO:0018993.

Submission:

Labcorp Genetics (formerly Invitae), Labcorp
Classification: Uncertain significance for Charcot-Marie-Tooth disease type 2. Last evaluated: 2024-09-24. Review status: criteria provided, single submitter. Criteria: Invitae Variant Classification Sherloc (09022015). Collection method: clinical testing. Allele origin: germline.
Comment: This sequence change replaces valine, which is neutral and non-polar, with glycine, which is neutral and non-polar, at codon 1554 of the KIF1B protein (p.Val1554Gly). This variant is not present in population databases (gnomAD no frequency). This variant has not been reported in the literature in individuals affected with KIF1B-related conditions. An algorithm developed to predict the effect of missense changes on protein structure and function (PolyPhen-2) suggests that this variant is likely to be tolerated. In summary, the available evidence is currently insufficient to determine the role of this variant in disease. Therefore, it has been classified as a Variant of Uncertain Significance.